The following is an entry in ClinVar:

ClinVar aggregate classification (germline): Uncertain significance (1 of 4 stars; one submission).

Submission:

Women's Health and Genetics/Laboratory Corporation of America, LabCorp
Classification: Uncertain significance. Last evaluated: 2024-11-07. Review status: criteria provided, single submitter. Criteria: LabCorp Variant Classification Summary - May 2015. Collection method: clinical testing. Allele origin: germline.
Comment: Variant summary: The variant involves the deletion of exons 7-11 in the TUSC3 gene. A presumed nomenclature of c.(798+1_799-1)_(*2484_?)del has been designated for the purposes of this classification. The exact breakpoint at the distal 3' end of this variant is unknown, therefore this deletion may extend downstream of the annotated region of the gene. As it encompasses the termination codon, it is predicted to escape nonsense mediated decay (NMD). The variant was absent in 21694 control chromosomes. The available data on variant occurrences in the general population are insufficient to allow any conclusion about variant significance. To our knowledge, no occurrence of c.(798+1_799-1)_(*2484_?)del in individuals affected with Intellectual Disability, Autosomal Recessive 7 and no experimental evidence demonstrating its impact on protein function have been reported. No submitters have cited clinical-significance assessments for this variant to ClinVar. Based on the evidence outlined above, the variant was classified as uncertain significance.

NC_000008.10:g.(15531346_15588174)_(15624148_?)del

Gene: TUSC3 (tumor suppressor candidate 3; plus strand). Cytogenetic location: 8p22.
Variant type: Deletion.
Identifiers: ClinVar variation 3629773 (VCV003629773.1).